The following is an entry in ClinVar:

ClinVar aggregate classification (germline): Uncertain significance (1 of 4 stars; one submission).

Conditions:
Autosomal recessive ataxia, Beauce type. Also called: SYNE1-Related Autosomal Recessive Cerebellar Ataxia; Spinocerebellar ataxia, autosomal recessive 8; ATAXIA, RECESSIVE, OF BEAUCE; SYNE1 Deficiency. Identifiers: Orphanet 88644, MedGen C1853116, MONDO:0012549, OMIM 610743.
Emery-Dreifuss muscular dystrophy 4, autosomal dominant (EDMD4). Also called: EMERY-DREIFUSS MUSCULAR DYSTROPHY 4 WITH VARIABLE FEATURES. Identifiers: Orphanet 261, MedGen C2751807, MONDO:0013071, OMIM 612998.

gnomAD v4.1: 1 of 1,613,982 alleles (0.000062%); highest among the groups gnomAD compares: Non-Finnish European, 0.000085%; no homozygotes.

Submission:

Labcorp Genetics (formerly Invitae), Labcorp
Classification: Uncertain significance for Emery-Dreifuss muscular dystrophy 4, autosomal dominant; Autosomal recessive ataxia, Beauce type. Last evaluated: 2025-03-20. Review status: criteria provided, single submitter. Criteria: Invitae Variant Classification Sherloc (09022015). Collection method: clinical testing. Allele origin: germline.
Comment: This sequence change replaces isoleucine, which is neutral and non-polar, with serine, which is neutral and polar, at codon 2724 of the SYNE1 protein (p.Ile2724Ser). This variant is present in population databases (no rsID available, gnomAD 0.007%). This variant has not been reported in the literature in individuals affected with SYNE1-related conditions. An algorithm developed to predict the effect of missense changes on protein structure and function (PolyPhen-2) suggests that this variant is likely to be tolerated. In summary, the available evidence is currently insufficient to determine the role of this variant in disease. Therefore, it has been classified as a Variant of Uncertain Significance.

NM_182961.4(SYNE1):c.8150T>G (p.Ile2717Ser)

Gene: SYNE1 (spectrin repeat containing nuclear envelope protein 1; minus strand). Cytogenetic location: 6q25.2.
Variant type: single nucleotide variant.
Coding change: c.8150T>G on transcript NM_182961.4 (MANE Select); coding-DNA position 8150, T replaced by G.
Protein change: p.Ile2717Ser; replaces isoleucine 2717 with serine.
Molecular consequence: missense variant.
Genome position (GRCh38, 1-based): chr6:152,390,307, A>C on the plus strand (T>G on the coding strand, the complement: SYNE1 is on the minus strand). VCF-style: chr6-152390307-A-C. GRCh37 (hg19) VCF-style: chr6-152711442-A-C.
Other names: c.8171T>G, p.Ile2724Ser (NM_033071.5); short protein forms I2717S, I2724S.
Identifiers: ClinVar variation 4790255 (VCV004790255.1).
Genomic context (GRCh38, chr6:152,390,307, plus strand): 5'-GACTTAAACAAACTCTAAAAATAGGTTCTGTACCTTTGAGCGTGGACGGAGGAGCTCATG[A>C]TGTCAGCCCACACTTCTTTAAGGGTCTCTAACTGAGTCTGAATCACCCTCTGACCTTCTT-3'
Protein context (NP_892006.3, residues 2707-2727): LETLKEVWAD[Ile2717Ser]MSSSVHAQST